The following is an entry in ClinVar:

NC_000009.12:g.35658023_35658046dup

Gene: RMRP (RNA component of mitochondrial RNA processing endoribonuclease; minus strand). Cytogenetic location: 9p13.3.
Variant type: Duplication.
Genome position: GRCh38 VCF-style: chr9-35658021-G-GTCCTCAGCTTCACAGAGTAGTATT. GRCh37 (hg19) VCF-style: chr9-35658018-G-GTCCTCAGCTTCACAGAGTAGTATT.
Identifiers: ClinVar variation 2106014 (VCV002106014.4), dbSNP rs2490603296, ClinGen allele CA2580080469.

ClinVar aggregate classification (germline): Pathogenic (1 of 4 stars; one submission).

Conditions:
Anauxetic dysplasia. Identifiers: Orphanet 93347, MedGen C1846796, MONDO:0011773.

Submission:

Labcorp Genetics (formerly Invitae), Labcorp
Classification: Pathogenic for Anauxetic dysplasia. Last evaluated: 2022-11-29. Review status: criteria provided, single submitter. Criteria: Invitae Variant Classification Sherloc (09022015). Collection method: clinical testing. Allele origin: germline.
Comment: While this particular variant has not been reported in the literature, it is located in the promoter region between the TATA box and the transcription initiation site, and other insertions and duplications immediately upstream of the coding sequence have been reported in individuals affected with cartilage-hair hypoplasia-anauxetic dysplasia (CHH-AD) spectrum disorders (PMID: 16244706, 11207361, 12107819). This variant occurs in the RMRP gene, which encodes an RNA molecule that does not result in a protein product. This variant is not present in population databases (gnomAD no frequency). Experimental studies and prediction algorithms are not available or were not evaluated, and the functional significance of this variant is currently unknown. While functional studies for this variant have not been reported, experimental analyses using patient derived cells, as well as in vitro transfection studies, have shown that promoter insertions result in silencing of RMRP transcription and reduced expression of the gene product (PMID: 11207361, 16254002). For these reasons, this variant has been classified as Pathogenic.

Literature cited by the submitters: PubMed 16244706; PubMed 11207361; PubMed 12107819; PubMed 16254002.